The following is an entry in ClinVar:

ClinVar aggregate classification (germline): Uncertain significance. Review status: criteria provided, multiple submitters, no conflicts (2 of 4 stars). 4 submissions from 3 submitters: Uncertain significance (4). Last evaluated 2023-05-23.

Conditions:
Leigh syndrome (NULS). Also called: Leigh's syndrome; Leigh Disease; Subacute necrotizing encephalopathy; Necrotizing encephalopathy infantile subacute of Leigh; LEIGH SYNDROME, NUCLEAR; Leigh's necrotizing encephalopathy. Identifiers: Orphanet 506, MedGen C2931891, MONDO:0009723, OMIM 256000.
Mitochondrial complex I deficiency, nuclear type 1. Also called: NADH-COENZYME Q REDUCTASE DEFICIENCY; MITOCHONDRIAL NADH DEHYDROGENASE COMPONENT OF COMPLEX I, DEFICIENCY OF. Identifiers: MedGen C6022305, MONDO:0100224, OMIM 252010.
Inborn genetic diseases. Identifiers: MedGen C0950123, MeSH D030342.

Allele frequency attached by ClinVar (database versions not stated): gnomAD below 0.00001 and 0.00005; TOPMed below 0.00001; ExAC 0.00004; gnomAD exomes 0.00004 and 0.00006; 1000 Genomes Project 0.00020; 1000 Genomes Project 30x 0.00047.

Submissions (4):

Ambry Genetics
Classification: Uncertain significance for Inborn genetic diseases. Last evaluated: 2023-05-23. Review status: criteria provided, single submitter. Criteria: Ambry Variant Classification Scheme 2023. Collection method: clinical testing. Allele origin: germline.

Women's Health and Genetics/Laboratory Corporation of America, LabCorp
Classification: Uncertain significance. Last evaluated: 2022-11-29. Review status: criteria provided, single submitter. Criteria: LabCorp Variant Classification Summary - May 2015. Collection method: clinical testing. Allele origin: germline.
Comment: Variant summary: NDUFV1 c.904A>G (p.Lys302Glu) results in a conservative amino acid change located in the Soluble ligand binding domain (IPR019554) of the encoded protein sequence. Three of five in-silico tools predict a benign effect of the variant on protein function. The variant allele was found at a frequency of 6.4e-05 in 251344 control chromosomes. This frequency is not significantly higher than estimacted for a pathogenic variant in NDUFV1 causing Leigh Syndrome (6.4e-05 vs 0.0013), allowing no conclusion about variant significance. To our knowledge, no occurrence of c.904A>G in individuals affected with Leigh Syndrome and no experimental evidence demonstrating its impact on protein function have been reported. One clinical diagnostic laboratory has submitted clinical-significance assessments for this variant to ClinVar after 2014 without evidence for independent evaluation and classified the variant as uncertain significance. Based on the evidence outlined above, the variant was classified as uncertain significance.

Illumina Laboratory Services, Illumina
Classification: Uncertain significance for Mitochondrial complex I deficiency, nuclear type 1. Last evaluated: 2018-01-13. Review status: criteria provided, single submitter. Criteria: ICSL Variant Classification Criteria 13 December 2019. Collection method: clinical testing. Allele origin: germline.

Illumina Laboratory Services, Illumina
Classification: Uncertain significance for Leigh syndrome. Last evaluated: 2018-01-13. Review status: criteria provided, single submitter. Criteria: ICSL Variant Classification Criteria 13 December 2019. Collection method: clinical testing. Allele origin: germline.

NM_007103.4(NDUFV1):c.904A>G (p.Lys302Glu)

Gene: NDUFV1 (NADH:ubiquinone oxidoreductase core subunit V1; plus strand). Cytogenetic location: 11q13.2.
Variant type: single nucleotide variant.
Coding change: c.904A>G on transcript NM_007103.4 (MANE Select); coding-DNA position 904, A replaced by G.
Protein change: p.Lys302Glu; replaces lysine 302 with glutamic acid.
Molecular consequence: missense variant.
Genome position (GRCh38, 1-based): chr11:67,611,198, A>G. VCF-style: chr11-67611198-A-G. GRCh37 (hg19) VCF-style: chr11-67378669-A-G.
Other names: c.877A>G, p.Lys293Glu (NM_001166102.2); short protein forms K302E, K293E.
Identifiers: ClinVar variation 305751 (VCV000305751.8), dbSNP rs573896386, ClinGen allele CA6143303.